The following is an entry in ClinVar:

NC_000014.9:g.104735024del

Gene: ADSS1 (adenylosuccinate synthase 1; plus strand). Cytogenetic location: 14q32.33.
Variant type: Deletion.
Genome position: GRCh38 VCF-style: chr14-104735018-AG-A. GRCh37 (hg19) VCF-style: chr14-105201355-AG-A.
Identifiers: ClinVar variation 2992714 (VCV002992714.3), dbSNP rs760706338, ClinGen allele CA645593598.

ClinVar aggregate classification (germline): Pathogenic (1 of 4 stars; one submission).

Submission:

Labcorp Genetics (formerly Invitae), Labcorp
Classification: Pathogenic. Last evaluated: 2024-11-19. Review status: criteria provided, single submitter. Criteria: Invitae Variant Classification Sherloc (09022015). Collection method: clinical testing. Allele origin: germline.
Comment: This sequence change creates a premature translational stop signal (p.Gly109Alafs*56) in the ADSSL1 gene. It is expected to result in an absent or disrupted protein product. Loss-of-function variants in ADSSL1 are known to be pathogenic (PMID: 26506222). This variant is not present in population databases (gnomAD no frequency). This variant has not been reported in the literature in individuals affected with ADSSL1-related conditions. ClinVar contains an entry for this variant (Variation ID: 2992714). Algorithms developed to predict the effect of sequence changes on RNA splicing suggest that this variant may disrupt the consensus splice site. For these reasons, this variant has been classified as Pathogenic.

Literature cited by the submitters: PubMed 26506222.